The following is an entry in ClinVar:

ClinVar aggregate classification (germline): Uncertain significance (1 of 4 stars; one submission).

Conditions:
Neuropathy, hereditary sensory, type 2C. Also called: KIF1A-Related HSAN2 (HSAN2C); Hereditary sensory and autonomic neuropathy type IIC. Identifiers: Orphanet 970, MedGen C3280168, MONDO:0013634, OMIM 614213.
Hereditary spastic paraplegia 30. Identifiers: Orphanet 101010, MedGen C5235139, MONDO:0012476.
Intellectual disability, autosomal dominant 9 (NESCAVS). Also called: KIF1A-Related Neurodevelopmental Disorder; NESCAV SYNDROME. Identifiers: Orphanet 662367, MedGen C5393830, MONDO:0013656, OMIM 614255.

Submission:

Labcorp Genetics (formerly Invitae), Labcorp
Classification: Uncertain significance for Hereditary spastic paraplegia 30; Neuropathy, hereditary sensory, type 2C; Intellectual disability, autosomal dominant 9. Last evaluated: 2024-03-22. Review status: criteria provided, single submitter. Criteria: Invitae Variant Classification Sherloc (09022015). Collection method: clinical testing. Allele origin: germline.
Comment: This sequence change replaces arginine, which is basic and polar, with leucine, which is neutral and non-polar, at codon 653 of the KIF1A protein (p.Arg653Leu). This variant is not present in population databases (gnomAD no frequency). This variant has not been reported in the literature in individuals affected with KIF1A-related conditions. Advanced modeling of protein sequence and biophysical properties (such as structural, functional, and spatial information, amino acid conservation, physicochemical variation, residue mobility, and thermodynamic stability) has been performed at Invitae for this missense variant, however the output from this modeling did not meet the statistical confidence thresholds required to predict the impact of this variant on KIF1A protein function. In summary, the available evidence is currently insufficient to determine the role of this variant in disease. Therefore, it has been classified as a Variant of Uncertain Significance.

NM_001244008.2(KIF1A):c.1985G>T (p.Arg662Leu)

Gene: KIF1A (kinesin family member 1A; minus strand). Cytogenetic location: 2q37.3.
Variant type: single nucleotide variant.
Coding change: c.1985G>T on transcript NM_001244008.2 (MANE Select); coding-DNA position 1985, G replaced by T.
Protein change: p.Arg662Leu; replaces arginine 662 with leucine.
Molecular consequence: missense variant.
Genome position (GRCh38, 1-based): chr2:240,763,056, C>A on the plus strand (G>T on the coding strand, the complement: KIF1A is on the minus strand). VCF-style: chr2-240763056-C-A. GRCh37 (hg19) VCF-style: chr2-241702473-C-A.
Other names: c.1985G>T, p.Arg662Leu (NM_001320705.2, NM_001330289.2, NM_001379638.1); c.2060G>T, p.Arg687Leu (NM_001330290.2, NM_001379631.1, NM_001379634.1 and 2 more transcripts); c.1958G>T, p.Arg653Leu (NM_001379632.1, NM_001379633.1, NM_001379636.1 and 10 more transcripts); c.2033G>T, p.Arg678Leu (NM_001379637.1, NM_001379648.1); short protein forms R653L, R662L, R678L, R687L.
Identifiers: ClinVar variation 3753710 (VCV003753710.2).